The following is an entry in ClinVar:

ClinVar aggregate classification (germline): Uncertain significance (1 of 4 stars; one submission).

Allele frequency attached by ClinVar (database versions not stated): TOPMed below 0.00001; gnomAD exomes 0.00001.
gnomAD v4.1: 4 of 1,614,176 alleles (0.00025%); highest among the groups gnomAD compares: Admixed American, 0.0067%; no homozygotes.

Submission:

Women's Health and Genetics/Laboratory Corporation of America, LabCorp
Classification: Uncertain significance. Last evaluated: 2023-02-20. Review status: criteria provided, single submitter. Criteria: LabCorp Variant Classification Summary - May 2015. Collection method: clinical testing. Allele origin: germline.
Comment: Variant summary: MYPN c.3373G>A (p.Glu1125Lys) results in a conservative amino acid change located in the Immunoglobulin subtype 2 (IPR003599) of the encoded protein sequence. Two of four in-silico tools predict a benign effect of the variant on protein function. The variant allele was found at a frequency of 1.2e-05 in 251366 control chromosomes. The available data on variant occurrences in the general population are insufficient to allow any conclusion about variant significance. To our knowledge, c.3373G>A has not been reported in the literature in individuals affected with Cardiomyopathy. To our knowledge, no experimental evidence demonstrating an impact on protein function has been reported. No clinical diagnostic laboratories have submitted clinical-significance assessments for this variant to ClinVar after 2014. Based on the evidence outlined above, the variant was classified as uncertain significance.

NM_032578.4(MYPN):c.3373G>A (p.Glu1125Lys)

Gene: MYPN (myopalladin; plus strand). Cytogenetic location: 10q21.3.
Variant type: single nucleotide variant.
Coding change: c.3373G>A on transcript NM_032578.4 (MANE Select); coding-DNA position 3373, G replaced by A.
Protein change: p.Glu1125Lys; replaces glutamic acid 1125 with lysine.
Molecular consequence: missense variant. On other transcripts: non-coding transcript variant (2).
Genome position (GRCh38, 1-based): chr10:68,199,455, G>A. VCF-style: chr10-68199455-G-A. GRCh37 (hg19) VCF-style: chr10-69959212-G-A.
Other names: c.3373G>A, p.Glu1125Lys (NM_001256267.2); c.2491G>A, p.Glu831Lys (NM_001256268.2); short protein forms E1125K, E831K.
Identifiers: ClinVar variation 2445930 (VCV002445930.1), dbSNP rs1307761860, ClinGen allele CA376859152.